The following is an entry in ClinVar:

NM_000501.4(ELN):c.376+1G>T

Gene: ELN (elastin; plus strand). Cytogenetic location: 7q11.23.
Variant type: single nucleotide variant.
Coding change: c.376+1G>T on transcript NM_000501.4 (MANE Select); the canonical splice donor site of the intron after coding-DNA position 376, G replaced by T.
Molecular consequence: splice donor variant.
Genome position (GRCh38, 1-based): chr7:74,043,035, G>T. VCF-style: chr7-74043035-G-T. GRCh37 (hg19) VCF-style: chr7-73457365-G-T.
Other names: c.376+1G>T (NM_001081754.3, NM_001081753.3, NM_001278939.2 and 4 more transcripts); c.340+1G>T (NM_001278913.2); c.346+1G>T (NM_001278914.2, NM_001278917.2, NM_001081752.3 and 1 more transcripts).
Identifiers: ClinVar variation 4809325 (VCV004809325.2).
Genomic context (GRCh38, chr7:74,043,035, plus strand): 5'-GCTCTGCAGGCGCTGGGCTTGGTGGTGTCCCAGGAGTTGGTGGCTTAGGAGTGTCTGCAG[G>T]TACGATGGCTATCCCCGAACTCCCTGGGTCAAAGTTGCAGGCCTGGGTGGAGCCAACTCT-3'

ClinVar aggregate classification (germline): Conflicting classifications of pathogenicity. Review status: criteria provided, conflicting classifications (1 of 4 stars). 2 submissions from 2 submitters: Likely pathogenic (1); Uncertain significance (1). Last evaluated 2025-08-25.

Conditions:
Supravalvar aortic stenosis (SVAS). Also called: Supravalvar aortic stenosis, Eisenberg type. Identifiers: Orphanet 3193, MedGen C0003499, MONDO:0008504, OMIM 185500, HP:0004381.

gnomAD v4.1: 1 of 1,614,042 alleles (0.000062%); highest among the groups gnomAD compares: Non-Finnish European, 0.000085%; no homozygotes.

Submissions (2):

Labcorp Genetics (formerly Invitae), Labcorp
Classification: Likely pathogenic for Supravalvar aortic stenosis. Last evaluated: 2025-08-25. Review status: criteria provided, single submitter. Criteria: Invitae Variant Classification Sherloc (09022015). Collection method: clinical testing. Allele origin: germline.
Comment: This sequence change affects a donor splice site in intron 7 of the ELN gene. It is expected to disrupt RNA splicing. Variants that disrupt the donor or acceptor splice site typically lead to a loss of protein function (PMID: 16199547), and loss-of-function variants in ELN are known to be pathogenic (PMID: 11175284). This variant is not present in population databases (gnomAD no frequency). This variant has not been reported in the literature in individuals affected with ELN-related conditions. Algorithms developed to predict the effect of sequence changes on RNA splicing suggest that this variant may disrupt the consensus splice site. In summary, the currently available evidence indicates that the variant is pathogenic, but additional data are needed to prove that conclusively. Therefore, this variant has been classified as Likely Pathogenic.

Clinical Genetics Laboratory, University Hospital Schleswig-Holstein
Classification: Uncertain significance for Supravalvar aortic stenosis. Last evaluated: 2025-02-28. Review status: criteria provided, single submitter. Criteria: ACMG Guidelines, 2015. Collection method: clinical testing. Allele origin: germline. Affected: yes. Observed: 1 heterozygote.
Comment: ACMG criteria applied: PM2, PVS1_Moderate, PP4

Literature cited by the submitters: PubMed 16199547 (cited by Labcorp Genetics (formerly Invitae), Labcorp); PubMed 11175284 (cited by Labcorp Genetics (formerly Invitae), Labcorp).